The following is an entry in ClinVar:

ClinVar aggregate classification (germline): Uncertain significance (1 of 4 stars; one submission).

Conditions:
Emery-Dreifuss muscular dystrophy 5, autosomal dominant (EDMD5). Also called: EMERY-DREIFUSS MUSCULAR DYSTROPHY 5. Identifiers: Orphanet 261, MedGen C2751805, MONDO:0013072, OMIM 612999.

Allele frequency attached by ClinVar (database versions not stated): gnomAD exomes below 0.00001; gnomAD 0.00001; TOPMed 0.00001.
gnomAD v4.1: 2 of 1,614,042 alleles (0.00012%); highest among the groups gnomAD compares: Admixed American, 0.0033%; no homozygotes.

Submission:

Labcorp Genetics (formerly Invitae), Labcorp
Classification: Uncertain significance for Emery-Dreifuss muscular dystrophy 5, autosomal dominant. Last evaluated: 2026-01-03. Review status: criteria provided, single submitter. Criteria: Invitae Variant Classification Sherloc (09022015). Collection method: clinical testing. Allele origin: germline.
Comment: This sequence change replaces aspartic acid, which is acidic and polar, with glycine, which is neutral and non-polar, at codon 3725 of the SYNE2 protein (p.Asp3725Gly). This variant is not present in population databases (gnomAD no frequency). This variant has not been reported in the literature in individuals affected with SYNE2-related conditions. ClinVar contains an entry for this variant (Variation ID: 639155). An algorithm developed to predict the effect of missense changes on protein structure and function (PolyPhen-2) suggests that this variant is likely to be disruptive. In summary, the available evidence is currently insufficient to determine the role of this variant in disease. Therefore, it has been classified as a Variant of Uncertain Significance.

NM_182914.3(SYNE2):c.11174A>G (p.Asp3725Gly)

Gene: SYNE2 (spectrin repeat containing nuclear envelope protein 2; plus strand). Cytogenetic location: 14q23.2.
Variant type: single nucleotide variant.
Coding change: c.11174A>G on transcript NM_182914.3 (MANE Select); coding-DNA position 11174, A replaced by G.
Protein change: p.Asp3725Gly; replaces aspartic acid 3725 with glycine.
Molecular consequence: missense variant.
Genome position (GRCh38, 1-based): chr14:64,080,466, A>G. VCF-style: chr14-64080466-A-G. GRCh37 (hg19) VCF-style: chr14-64547184-A-G.
Other names: c.11174A>G, p.Asp3725Gly (NM_015180.6); short protein forms D3725G.
Identifiers: ClinVar variation 639155 (VCV000639155.8), dbSNP rs1595379549, ClinGen allele CA389940585.